The following is an entry in ClinVar:

ClinVar aggregate classification (germline): Uncertain significance (1 of 4 stars; one submission).

Conditions:
Muscular dystrophy-dystroglycanopathy type B6 (MDDGB6). Also called: MUSCULAR DYSTROPHY, CONGENITAL, LARGE-RELATED; MUSCULAR DYSTROPHY, CONGENITAL, TYPE 1D; MUSCULAR DYSTROPHY-DYSTROGLYCANOPATHY (CONGENITAL WITH IMPAIRED INTELLECTUAL DEVELOPMENT), TYPE B, 6. Identifiers: MedGen C1837229, MONDO:0012138, OMIM 608840.

Submission:

Labcorp Genetics (formerly Invitae), Labcorp
Classification: Uncertain significance for Muscular dystrophy-dystroglycanopathy type B6. Last evaluated: 2022-06-08. Review status: criteria provided, single submitter. Criteria: Invitae Variant Classification Sherloc (09022015). Collection method: clinical testing. Allele origin: germline.
Comment: This sequence change replaces tyrosine, which is neutral and polar, with leucine, which is neutral and non-polar, at codon 401 of the LARGE1 protein (p.Tyr401Leu). This variant is present in population databases (no rsID available, gnomAD 0.1%). This variant has not been reported in the literature in individuals affected with LARGE1-related conditions. ClinVar contains an entry for this variant (Variation ID: 1022056). Algorithms developed to predict the effect of missense changes on protein structure and function are either unavailable or do not agree on the potential impact of this missense change (SIFT: "Not Available"; PolyPhen-2: "Possibly Damaging"; Align-GVGD: "Not Available"). In summary, the available evidence is currently insufficient to determine the role of this variant in disease. Therefore, it has been classified as a Variant of Uncertain Significance.

NM_133642.5(LARGE1):c.1201_1202delinsCT (p.Tyr401Leu)

Gene: LARGE1 (LARGE xylosyl- and glucuronyltransferase 1; minus strand). Cytogenetic location: 22q12.3.
Variant type: Indel.
Coding change: c.1201_1202delinsCT on transcript NM_133642.5 (MANE Select); coding-DNA positions 1201 to 1202, TA replaced by CT.
Protein change: p.Tyr401Leu; replaces tyrosine 401 with leucine.
Molecular consequence: missense variant. On other transcripts: intron variant (2).
Genome position (GRCh38, 1-based): chr22:33,337,731-33,337,732, TA replaced by AG on the plus strand (TA replaced by CT on the coding strand, the reverse complement: LARGE1 is on the minus strand). VCF-style: chr22-33337731-TA-AG. GRCh37 (hg19) VCF-style: chr22-33733717-TA-AG.
Other names: c.1201_1202delinsCT, p.Tyr401Leu (NM_001362949.2, NM_001362951.2, NM_001362953.2 and 6 more transcripts); c.598_599delinsCT, p.Tyr200Leu (NM_001378630.1); c.1132-21484_1132-21483delinsCT (NM_001378629.1); c.529-21484_529-21483delinsCT (NM_001378631.1); short protein forms Y200L, Y401L.
Identifiers: ClinVar variation 1022056 (VCV001022056.9), dbSNP rs1938639225, ClinGen allele CA2402373867.
Genomic context (GRCh38, chr22:33,337,731, plus strand): 5'-CTGGGGCAGCCAAACAGTTCCCGCCTCAGAAGATTGCCGTCATACTCCAGGAAGGTCAGG[TA>AG]GAGGTTGCGAAAAAACTCCACATGCTTGTTCTTCACCCGGAGCTTCTTGGGGGAGTTCCA-3'
Protein context (NP_598397.1, residues 391-411): NKHVEFFRNL[Tyr401Leu]LTFLEYDGNL